The following is an entry in ClinVar:

NM_024580.6(EFL1):c.2980G>C (p.Asp994His)

Gene: EFL1 (elongation factor like GTPase 1; minus strand). Cytogenetic location: 15q25.2.
Variant type: single nucleotide variant.
Coding change: c.2980G>C on transcript NM_024580.6 (MANE Select); coding-DNA position 2980, G replaced by C.
Protein change: p.Asp994His; replaces aspartic acid 994 with histidine.
Molecular consequence: missense variant. On other transcripts: non-coding transcript variant (1).
Genome position (GRCh38, 1-based): chr15:82,151,474, C>G on the plus strand (G>C on the coding strand, the complement: EFL1 is on the minus strand). VCF-style: chr15-82151474-C-G. GRCh37 (hg19) VCF-style: chr15-82443815-C-G.
Other names: c.2827G>C, p.Asp943His (NM_001040610.3); c.2191G>C, p.Asp731His (NM_001322844.2); c.2980G>C, p.Asp994His (NM_001322845.2); short protein forms D943H, D731H, D994H.
Identifiers: ClinVar variation 2700712 (VCV002700712.3), dbSNP rs778084705, ClinGen allele CA393285501.

ClinVar aggregate classification (germline): Uncertain significance (1 of 4 stars; one submission).

Submission:

Labcorp Genetics (formerly Invitae), Labcorp
Classification: Uncertain significance. Last evaluated: 2023-12-07. Review status: criteria provided, single submitter. Criteria: Invitae Variant Classification Sherloc (09022015). Collection method: clinical testing. Allele origin: germline.
Comment: This sequence change replaces aspartic acid, which is acidic and polar, with histidine, which is basic and polar, at codon 994 of the EFL1 protein (p.Asp994His). This variant is not present in population databases (gnomAD no frequency). This variant has not been reported in the literature in individuals affected with EFL1-related conditions. Advanced modeling of protein sequence and biophysical properties (such as structural, functional, and spatial information, amino acid conservation, physicochemical variation, residue mobility, and thermodynamic stability) performed at Invitae indicates that this missense variant is expected to disrupt EFL1 protein function with a positive predictive value of 80%. In summary, the available evidence is currently insufficient to determine the role of this variant in disease. Therefore, it has been classified as a Variant of Uncertain Significance.